The following is an entry in ClinVar:

ClinVar aggregate classification (germline): Benign/Likely benign. Review status: criteria provided, multiple submitters, no conflicts (2 of 4 stars). 2 submissions from 2 submitters: Benign (1); Likely benign (1). Last evaluated 2023-01-01.

Allele frequency attached by ClinVar (database versions not stated): ESP Exome Variant Server 0.00200; ExAC 0.00303; gnomAD exomes 0.00326 and 0.00408; gnomAD 0.00329 and 0.00339; TOPMed 0.00349; 1000 Genomes Project 0.00419; 1000 Genomes Project 30x 0.00453.
gnomAD v4.1: 6,472 of 1,609,044 alleles (0.4%); highest among the groups gnomAD compares: Admixed American, 0.81%; 18 homozygotes.

Submissions (2):

CeGaT Center for Human Genetics Tuebingen
Classification: Likely benign. Last evaluated: 2023-01-01. Review status: criteria provided, single submitter. Criteria: CeGaT Center For Human Genetics Tuebingen Variant Classification Criteria Version 2. Collection method: clinical testing. Allele origin: germline. Affected: yes. Observed: 1 variant allele.
Comment: PTBP1: BP4, BP7, BS2

Labcorp Genetics (formerly Invitae), Labcorp
Classification: Benign. Last evaluated: 2018-07-19. Review status: criteria provided, single submitter. Criteria: Invitae Variant Classification Sherloc (09022015). Collection method: clinical testing. Allele origin: germline.

NM_002819.5(PTBP1):c.264C>T (p.Leu88=)

Gene: PTBP1 (polypyrimidine tract binding protein 1; plus strand). Cytogenetic location: 19p13.3.
Variant type: single nucleotide variant.
Coding change: c.264C>T on transcript NM_002819.5 (MANE Select); coding-DNA position 264, C replaced by T.
Protein change: p.Leu88=; no amino-acid change (leucine 88 retained).
Molecular consequence: synonymous variant.
Genome position (GRCh38, 1-based): chr19:804,184, C>T. VCF-style: chr19-804184-C-T. GRCh37 (hg19) VCF-style: chr19-804184-C-T.
Other names: c.264C>T, p.Leu88= (NM_031990.4, NM_031991.4).
Identifiers: ClinVar variation 788832 (VCV000788832.27), dbSNP rs61757784, ClinGen allele CA9023862.